The following is an entry in ClinVar:

NM_000195.5(HPS1):c.50G>A (p.Trp17Ter)

Gene: HPS1 (HPS1 biogenesis of lysosomal organelles complex 3 subunit 1; minus strand). Cytogenetic location: 10q24.2.
Variant type: single nucleotide variant.
Coding change: c.50G>A on transcript NM_000195.5 (MANE Select); coding-DNA position 50, G replaced by A.
Protein change: p.Trp17Ter; replaces tryptophan 17 with a stop codon.
Molecular consequence: nonsense. On other transcripts: 5 prime UTR variant (6).
Genome position (GRCh38, 1-based): chr10:98,443,191, C>T on the plus strand (G>A on the coding strand, the complement: HPS1 is on the minus strand). VCF-style: chr10-98443191-C-T. GRCh37 (hg19) VCF-style: chr10-100202948-C-T.
Other names: c.-867G>A (NM_001311345.2); c.50G>A, p.Trp17Ter (NM_001322476.2, NM_001322477.2, NM_001322478.2 and 8 more transcripts); c.-177G>A (NM_001322483.2, NM_001322484.2, NM_001322485.2); c.-966G>A (NM_001322487.2); c.-724G>A (NM_001322489.2); c.50G>A (NM_000195.4); short protein forms W17*.
Identifiers: ClinVar variation 2108092 (VCV002108092.6), dbSNP rs1938761666, ClinGen allele CA378057095.

ClinVar aggregate classification (germline): Pathogenic/Likely pathogenic. Review status: criteria provided, multiple submitters, no conflicts (2 of 4 stars). 2 submissions from 2 submitters: Pathogenic (1); Likely pathogenic (1). Last evaluated 2025-08-04.

Conditions:
Hermansky-Pudlak syndrome (HPS). Also called: ALBINISM WITH HEMORRHAGIC DIATHESIS AND PIGMENTED RETICULOENDOTHELIAL CELLS. Identifiers: Orphanet 79430, MedGen C0079504, MONDO:0019312.

Allele frequency attached by ClinVar (database versions not stated): gnomAD exomes below 0.00001; TOPMed below 0.00001.
gnomAD v4.1: 1 of 1,614,116 alleles (0.000062%); highest among the groups gnomAD compares: Non-Finnish European, 0.000085%; no homozygotes.

Submissions (2):

Natera, Inc.
Classification: Likely pathogenic for Hermansky-Pudlak syndrome. Last evaluated: 2025-08-04. Review status: criteria provided, single submitter. Criteria: Natera Variant Classification Schema (03/2026). Collection method: clinical testing. Allele origin: germline.
Comment: The c.50G>A variant in HPS1 is a nonsense variant predicted to introduce a stop codon at amino acid 17. This variant is expected to result in nonsense mediated decay, truncation, or a dysfunctional protein product. This variant is rare in the general population with a frequency below the threshold expected for the associated phenotype(s). Given the available evidence, this variant is classified as Likely Pathogenic.

Labcorp Genetics (formerly Invitae), Labcorp
Classification: Pathogenic. Last evaluated: 2024-10-10. Review status: criteria provided, single submitter. Criteria: Invitae Variant Classification Sherloc (09022015). Collection method: clinical testing. Allele origin: germline.
Comment: This sequence change creates a premature translational stop signal (p.Trp17*) in the HPS1 gene. It is expected to result in an absent or disrupted protein product. Loss-of-function variants in HPS1 are known to be pathogenic (PMID: 12442288, 16185271). This variant is not present in population databases (gnomAD no frequency). This variant has not been reported in the literature in individuals affected with HPS1-related conditions. ClinVar contains an entry for this variant (Variation ID: 2108092). For these reasons, this variant has been classified as Pathogenic.

Literature cited by the submitters: PubMed 12442288 (cited by Labcorp Genetics (formerly Invitae), Labcorp); PubMed 16185271 (cited by Labcorp Genetics (formerly Invitae), Labcorp).